The following is an entry in ClinVar:

NM_017654.4(SAMD9):c.3472C>T (p.His1158Tyr)

Gene: SAMD9 (sterile alpha motif domain containing 9; minus strand). Cytogenetic location: 7q21.2.
Variant type: single nucleotide variant.
Coding change: c.3472C>T on transcript NM_017654.4 (MANE Select); coding-DNA position 3472, C replaced by T.
Protein change: p.His1158Tyr; replaces histidine 1158 with tyrosine.
Molecular consequence: missense variant.
Genome position (GRCh38, 1-based): chr7:93,102,626, G>A on the plus strand (C>T on the coding strand, the complement: SAMD9 is on the minus strand). VCF-style: chr7-93102626-G-A. GRCh37 (hg19) VCF-style: chr7-92731939-G-A.
Other names: c.3472C>T, p.His1158Tyr (NM_001193307.2); short protein forms H1158Y.
Identifiers: ClinVar variation 4629985 (VCV004629985.1).

ClinVar aggregate classification (germline): Uncertain significance (1 of 4 stars; one submission).

Conditions:
Inborn genetic diseases. Identifiers: MedGen C0950123, MeSH D030342.

Submission:

Ambry Genetics
Classification: Uncertain significance for Inborn genetic diseases. Last evaluated: 2025-12-07. Review status: criteria provided, single submitter. Criteria: Ambry Variant Classification Scheme 2023. Collection method: clinical testing. Allele origin: germline.
Comment: The p.H1158Y variant (also known as c.3472C>T), located in coding exon 1 of the SAMD9 gene, results from a C to T substitution at nucleotide position 3472. The histidine at codon 1158 is replaced by tyrosine, an amino acid with similar properties. This amino acid position is conserved. In addition, this alteration is predicted to be tolerated by in silico analysis. Based on the available evidence, the clinical significance of this variant remains unclear.